The following is an entry in ClinVar:

NM_017777.4(MKS1):c.50C>T (p.Ser17Phe)

Genes: MKS1 (MKS transition zone complex subunit 1; minus strand), LOC130061271 (ATAC-STARR-seq lymphoblastoid active region 12461; plus strand). Cytogenetic location: 17q22.
Variant type: single nucleotide variant.
Coding change: c.50C>T on transcript NM_017777.4 (MANE Select); coding-DNA position 50, C replaced by T.
Protein change: p.Ser17Phe; replaces serine 17 with phenylalanine.
Molecular consequence: missense variant. On other transcripts: 5 prime UTR variant (1).
Genome position (GRCh38, 1-based): chr17:58,219,181, G>A on the plus strand (C>T on the coding strand, the complement: MKS1 is on the minus strand). VCF-style: chr17-58219181-G-A. GRCh37 (hg19) VCF-style: chr17-56296542-G-A.
Other names: c.-462C>T (NM_001321268.2); c.50C>T, p.Ser17Phe (NM_001321269.2, NM_001330397.2, NM_001411113.1); short protein forms S17F.
Identifiers: ClinVar variation 2096531 (VCV002096531.1), dbSNP rs2509469384, ClinGen allele CA400328159.

ClinVar aggregate classification (germline): Uncertain significance (1 of 4 stars; one submission).

Conditions:
Joubert syndrome. Also called: CEREBELLOPARENCHYMAL DISORDER IV; JOUBERT-BOLTSHAUSER SYNDROME; Familial aplasia of the vermis. Identifiers: Orphanet 475, MedGen C5979921, MONDO:0018772.
Meckel-Gruber syndrome. Also called: DYSENCEPHALIA SPLANCHNOCYSTICA; GRUBER SYNDROME; Dysencephalia splachnocystica. Identifiers: Orphanet 564, MedGen C0265215, MONDO:0018921.

Allele frequency attached by ClinVar (database versions not stated): gnomAD exomes below 0.00001.
gnomAD v4.1: 2 of 1,551,214 alleles (0.00013%); highest among the groups gnomAD compares: South Asian, 0.0024%; no homozygotes.

Submission:

Labcorp Genetics (formerly Invitae), Labcorp
Classification: Uncertain significance for Joubert syndrome; Meckel-Gruber syndrome. Last evaluated: 2022-02-25. Review status: criteria provided, single submitter. Criteria: Invitae Variant Classification Sherloc (09022015). Collection method: clinical testing. Allele origin: germline.
Comment: This sequence change replaces serine, which is neutral and polar, with phenylalanine, which is neutral and non-polar, at codon 17 of the MKS1 protein (p.Ser17Phe). This variant is not present in population databases (gnomAD no frequency). This variant has not been reported in the literature in individuals affected with MKS1-related conditions. Advanced modeling of protein sequence and biophysical properties (such as structural, functional, and spatial information, amino acid conservation, physicochemical variation, residue mobility, and thermodynamic stability) performed at Invitae indicates that this missense variant is expected to disrupt MKS1 protein function. In summary, the available evidence is currently insufficient to determine the role of this variant in disease. Therefore, it has been classified as a Variant of Uncertain Significance.